The following is an entry in ClinVar:

ClinVar aggregate classification (germline): Benign/Likely benign. Review status: criteria provided, multiple submitters, no conflicts (2 of 4 stars). 10 submissions from 10 submitters: Benign (5); Likely benign (3). 2 of the submissions do not count toward it. Last evaluated 2026-01-29.

Conditions:
Usher syndrome type 2C. Also called: Usher syndrome, type 2B; USHER SYNDROME, TYPE IIC. Identifiers: Orphanet 231178, Orphanet 886, MedGen C2931213, MONDO:0011558, OMIM 605472.
Febrile seizures, familial, 4 (FEB4). Also called: CONVULSIONS, FAMILIAL FEBRILE, 4. Identifiers: MedGen C1858493, MONDO:0011443, OMIM 604352.

Allele frequency attached by ClinVar (database versions not stated): ESP Exome Variant Server 0.00166; TOPMed 0.00174; gnomAD exomes 0.00381; ExAC 0.00407; 1000 Genomes Project 30x 0.00468; 1000 Genomes Project 0.00479.
gnomAD v4.1: 4,674 of 1,611,132 alleles (0.29%); highest among the groups gnomAD compares: South Asian, 1.8%; 27 homozygotes.

Submissions (10):

Labcorp Genetics (formerly Invitae), Labcorp
Classification: Benign. Last evaluated: 2026-01-29. Review status: criteria provided, single submitter. Criteria: Invitae Variant Classification Sherloc (09022015). Collection method: clinical testing. Allele origin: germline.

Fulgent Genetics
Classification: Likely benign for Febrile seizures, familial, 4; Usher syndrome type 2C. Last evaluated: 2022-01-14. Review status: criteria provided, single submitter. Criteria: ACMG Guidelines, 2015. Collection method: clinical testing. Allele origin: unknown.

GeneDx
Classification: Benign. Last evaluated: 2018-09-11. Review status: criteria provided, single submitter. Criteria: GeneDx Variant Classification Process June 2021. Collection method: clinical testing. Allele origin: germline. Affected: yes.

Athena Diagnostics
Classification: Benign. Last evaluated: 2018-05-02. Review status: criteria provided, single submitter. Criteria: Athena Diagnostics Criteria. Collection method: clinical testing. Allele origin: germline.

Illumina Laboratory Services, Illumina
Classification: Likely benign for Usher syndrome type 2C. Last evaluated: 2018-01-12. Review status: criteria provided, single submitter. Criteria: ICSL Variant Classification Criteria 13 December 2019. Collection method: clinical testing. Allele origin: germline.
Comment: This variant was observed in the ICSL laboratory as part of a predisposition screen in an ostensibly healthy population. It had not been previously curated by ICSL or reported in the Human Gene Mutation Database (HGMD: prior to June 1st, 2018), and was therefore a candidate for classification through an automated scoring system. Utilizing variant allele frequency, disease prevalence and penetrance estimates, and inheritance mode, an automated score was calculated to assess if this variant is too frequent to cause the disease. Based on the score and internal cut-off values, a variant classified as likely benign is not then subjected to further curation. The score for this variant resulted in a classification of likely benign for this disease.

Laboratory for Molecular Medicine, Mass General Brigham Personalized Medicine
Classification: Benign. Last evaluated: 2016-02-07. Review status: criteria provided, single submitter. Criteria: LMM Criteria. Collection method: clinical testing. Allele origin: germline. Observed: 5 variant alleles.
Comment: Ala2106Ala in exon 29 of GPR98: This variant is not expected to have clinical si gnificance because it does not alter an amino acid residue, is not located withi n the splice consensus sequence, and has been identified in 1.8% (311/16422) of South Asian chromosomes by the Exome Aggregation Consortium (ExAC; dbSNP rs190981860).

Eurofins Ntd Llc (ga)
Classification: Benign. Last evaluated: 2015-04-02. Review status: criteria provided, single submitter. Criteria: EGL Classification Definitions 2015. Collection method: clinical testing. Allele origin: germline. Observed: 1 variant allele, 1 heterozygote.

Breakthrough Genomics
Classification: Likely benign. Review status: criteria provided, single submitter. Criteria: ACMG Guidelines, 2015. Collection method: not provided. Allele origin: germline. Inheritance: Autosomal recessive inheritance. Affected: yes.

Clinical Genetics DNA and cytogenetics Diagnostics Lab, Erasmus MC, Erasmus Medical Center
Classification: Likely benign. Review status: no assertion criteria provided. Collection method: clinical testing. Allele origin: germline. Affected: yes. Study: VKGL Data-share Consensus. Not counted in ClinVar's aggregate classification.

Clinical Genetics, Academic Medical Center
Classification: Benign. Review status: no assertion criteria provided. Collection method: clinical testing. Allele origin: germline. Affected: yes. Study: VKGL Data-share Consensus. Not counted in ClinVar's aggregate classification.

Literature cited by the submitters: PubMed 22135276 (cited by Eurofins Ntd Llc (ga)).

NM_032119.4(ADGRV1):c.6318G>A (p.Ala2106=)

Gene: ADGRV1 (adhesion G protein-coupled receptor V1; plus strand). Cytogenetic location: 5q14.3.
Variant type: single nucleotide variant.
Coding change: c.6318G>A on transcript NM_032119.4 (MANE Select); coding-DNA position 6318, G replaced by A.
Protein change: p.Ala2106=; no amino-acid change (alanine 2106 retained).
Molecular consequence: synonymous variant. On other transcripts: non-coding transcript variant (1).
Genome position (GRCh38, 1-based): chr5:90,685,823, G>A. VCF-style: chr5-90685823-G-A. GRCh37 (hg19) VCF-style: chr5-89981640-G-A.
Identifiers: ClinVar variation 46352 (VCV000046352.28), dbSNP rs190981860, ClinGen allele CA138175.
Genomic context (GRCh38, chr5:90,685,823, plus strand): 5'-GATCTTCTGTCTTTCAGTTCCAAATTCTCCACGTCTTGGGCCTAAGGTAGAAACTATTGC[G>A]CAACTAATTATCATTGCCAATGATGATGCATTTGGAACTCTTCAGCTCTCAGCACCAATT-3'
Protein context (NP_115495.3, residues 2096-2116): PRLGPKVETI[Ala2106=]QLIIIANDDA